The following is an entry in ClinVar:

NM_001128840.3(CACNA1D):c.2054G>A (p.Arg685Gln)

Gene: CACNA1D (calcium voltage-gated channel subunit alpha1 D; plus strand). Cytogenetic location: 3p21.1.
Variant type: single nucleotide variant.
Coding change: c.2054G>A on transcript NM_001128840.3 (MANE Select); coding-DNA position 2054, G replaced by A.
Protein change: p.Arg685Gln; replaces arginine 685 with glutamine.
Molecular consequence: missense variant.
Genome position (GRCh38, 1-based): chr3:53,723,953, G>A. VCF-style: chr3-53723953-G-A. GRCh37 (hg19) VCF-style: chr3-53757980-G-A.
Other names: c.2114G>A, p.Arg705Gln (NM_000720.4); c.2054G>A, p.Arg685Gln (NM_001128839.3); short protein forms R685Q, R705Q.
Identifiers: ClinVar variation 3011267 (VCV003011267.4), dbSNP rs757933439, ClinGen allele CA2454118.

ClinVar aggregate classification (germline): Uncertain significance. Review status: criteria provided, multiple submitters, no conflicts (2 of 4 stars). 2 submissions from 2 submitters: Uncertain significance (2). Last evaluated 2023-07-22.

Allele frequency attached by ClinVar (database versions not stated): ExAC 0.00001; gnomAD 0.00001.
gnomAD v4.1: 8 of 1,614,024 alleles (0.0005%); highest among the groups gnomAD compares: East Asian, 0.0022%; no homozygotes.

Submissions (2):

Labcorp Genetics (formerly Invitae), Labcorp
Classification: Uncertain significance. Last evaluated: 2023-07-22. Review status: criteria provided, single submitter. Criteria: Invitae Variant Classification Sherloc (09022015). Collection method: clinical testing. Allele origin: germline.
Comment: This variant is present in population databases (rs757933439, gnomAD 0.002%). In summary, the available evidence is currently insufficient to determine the role of this variant in disease. Therefore, it has been classified as a Variant of Uncertain Significance. Advanced modeling of protein sequence and biophysical properties (such as structural, functional, and spatial information, amino acid conservation, physicochemical variation, residue mobility, and thermodynamic stability) performed at Invitae indicates that this missense variant is expected to disrupt CACNA1D protein function. This variant has not been reported in the literature in individuals affected with CACNA1D-related conditions. This sequence change replaces arginine, which is basic and polar, with glutamine, which is neutral and polar, at codon 705 of the CACNA1D protein (p.Arg705Gln).

Blueprint Genetics
Classification: Uncertain significance. Last evaluated: 2021-06-16. Review status: criteria provided, single submitter. Criteria: ACMG Guidelines, 2015. Collection method: clinical testing. Allele origin: germline.